The following is an entry in ClinVar:

ClinVar aggregate classification (germline): Uncertain significance. Review status: criteria provided, multiple submitters, no conflicts (2 of 4 stars). 3 submissions from 3 submitters: Uncertain significance (2). 1 of the submissions does not count toward it. Last evaluated 2024-09-09.

Conditions:
Melnick-Fraser syndrome (BOR). Also called: Branchio-oto-renal syndrome; Branchiootorenal Syndrome (BORS); Branchiootorenal syndrome. Identifiers: Orphanet 107, MedGen C0265234, MONDO:0007029.
EYA1-related disorder. Also called: EYA1-related condition.

Allele frequency attached by ClinVar (database versions not stated): ExAC 0.00002; gnomAD exomes 0.00002; gnomAD 0.00003; ESP Exome Variant Server 0.00008.
gnomAD v4.1: 32 of 1,613,484 alleles (0.002%); highest among the groups gnomAD compares: East Asian, 0.0067%; no homozygotes.

Submissions (3):

Labcorp Genetics (formerly Invitae), Labcorp
Classification: Uncertain significance for Melnick-Fraser syndrome. Last evaluated: 2024-09-09. Review status: criteria provided, single submitter. Criteria: Invitae Variant Classification Sherloc (09022015). Collection method: clinical testing. Allele origin: germline.
Comment: This sequence change replaces glycine, which is neutral and non-polar, with arginine, which is basic and polar, at codon 59 of the EYA1 protein (p.Gly59Arg). This variant is present in population databases (rs146216506, gnomAD 0.02%). This variant has not been reported in the literature in individuals affected with EYA1-related conditions. ClinVar contains an entry for this variant (Variation ID: 1195626). Invitae Evidence Modeling of protein sequence and biophysical properties (such as structural, functional, and spatial information, amino acid conservation, physicochemical variation, residue mobility, and thermodynamic stability) has been performed for this missense variant. However, the output from this modeling did not meet the statistical confidence thresholds required to predict the impact of this variant on EYA1 protein function. In summary, the available evidence is currently insufficient to determine the role of this variant in disease. Therefore, it has been classified as a Variant of Uncertain Significance.

GeneDx
Classification: Uncertain significance. Last evaluated: 2020-10-06. Review status: criteria provided, single submitter. Criteria: GeneDx Variant Classification Process June 2021. Collection method: clinical testing. Allele origin: germline. Affected: yes.
Comment: In silico analysis supports that this missense variant does not alter protein structure/function; Identified in a patient with primary open-angle glaucoma in published literature (Huang et al., 2015); This variant is associated with the following publications: (PMID: 26310487)

PreventionGenetics, part of Exact Sciences
Classification: Uncertain significance for EYA1-related condition. Last evaluated: 2024-04-28. Review status: no assertion criteria provided. Collection method: clinical testing. Allele origin: germline. Not counted in ClinVar's aggregate classification.
Comment: The EYA1 c.175G>A variant is predicted to result in the amino acid substitution p.Gly59Arg. This variant has been reported in an individual with primary open angle glaucoma (Huang et al. 2015. PubMed ID: 26310487). This variant is reported in 0.015% of alleles in individuals of East Asian descent in gnomAD. Although we suspect that this variant may be benign, at this time, the clinical significance of this variant is uncertain due to the absence of conclusive functional and genetic evidence.

NM_000503.6(EYA1):c.175G>A (p.Gly59Arg)

Gene: EYA1 (EYA transcriptional coactivator and phosphatase 1; minus strand). Cytogenetic location: 8q13.3.
Variant type: single nucleotide variant.
Coding change: c.175G>A on transcript NM_000503.6 (MANE Select); coding-DNA position 175, G replaced by A.
Protein change: p.Gly59Arg; replaces glycine 59 with arginine.
Molecular consequence: missense variant. On other transcripts: 5 prime UTR variant (1).
Genome position (GRCh38, 1-based): chr8:71,334,124, C>T on the plus strand (G>A on the coding strand, the complement: EYA1 is on the minus strand). VCF-style: chr8-71334124-C-T. GRCh37 (hg19) VCF-style: chr8-72246359-C-T.
Other names: c.175G>A, p.Gly59Arg (NM_001288574.2, NM_001370334.1, NM_001370335.1 and 1 more transcripts); c.-110G>A (NM_001288575.2); c.262G>A, p.Gly88Arg (NM_001370333.1, NM_001370336.1, NM_172059.5); c.175G>A (NM_172058.3); short protein forms G59R, G88R.
Identifiers: ClinVar variation 1195626 (VCV001195626.6), dbSNP rs146216506, ClinGen allele CA4779866.